The following is an entry in ClinVar:

NM_003764.4(STX11):c.745G>A (p.Val249Ile)

Gene: STX11 (syntaxin 11; plus strand). Cytogenetic location: 6q24.2.
Variant type: single nucleotide variant.
Coding change: c.745G>A on transcript NM_003764.4 (MANE Select); coding-DNA position 745, G replaced by A.
Protein change: p.Val249Ile; replaces valine 249 with isoleucine.
Molecular consequence: missense variant.
Genome position (GRCh38, 1-based): chr6:144,187,372, G>A. VCF-style: chr6-144187372-G-A. GRCh37 (hg19) VCF-style: chr6-144508509-G-A.
Other names: short protein forms V249I.
Identifiers: ClinVar variation 858227 (VCV000858227.7), dbSNP rs555738896, ClinGen allele CA4031779.

ClinVar aggregate classification (germline): Uncertain significance (1 of 4 stars; one submission).

Conditions:
Familial hemophagocytic lymphohistiocytosis 4 (FHL4). Also called: STX11-Related Familial Hemophagocytic Lymphohistiocytosis (STX11-fHLH). Identifiers: Orphanet 540, MedGen C1863728, MONDO:0011336, OMIM 603552.

Allele frequency attached by ClinVar (database versions not stated): TOPMed 0.00010; gnomAD 0.00016 and 0.00017; 1000 Genomes Project 30x 0.00031; 1000 Genomes Project 0.00040.
gnomAD v4.1: 39 of 1,610,520 alleles (0.0024%); highest among the groups gnomAD compares: African/African-American, 0.04%; no homozygotes.

Submission:

Labcorp Genetics (formerly Invitae), Labcorp
Classification: Uncertain significance for Familial hemophagocytic lymphohistiocytosis 4. Last evaluated: 2022-07-06. Review status: criteria provided, single submitter. Criteria: Invitae Variant Classification Sherloc (09022015). Collection method: clinical testing. Allele origin: germline.
Comment: This sequence change replaces valine, which is neutral and non-polar, with isoleucine, which is neutral and non-polar, at codon 249 of the STX11 protein (p.Val249Ile). This variant is present in population databases (rs555738896, gnomAD 0.06%). This variant has not been reported in the literature in individuals affected with STX11-related conditions. ClinVar contains an entry for this variant (Variation ID: 858227). Algorithms developed to predict the effect of missense changes on protein structure and function are either unavailable or do not agree on the potential impact of this missense change (SIFT: "Tolerated"; PolyPhen-2: "Possibly Damaging"; Align-GVGD: "Class C0"). In summary, the available evidence is currently insufficient to determine the role of this variant in disease. Therefore, it has been classified as a Variant of Uncertain Significance.